The following is an entry in ClinVar:

NM_000489.6(ATRX):c.2536G>C (p.Asp846His)

Gene: ATRX (ATRX chromatin remodeler; minus strand). Cytogenetic location: Xq21.1.
Variant type: single nucleotide variant.
Coding change: c.2536G>C on transcript NM_000489.6 (MANE Select); coding-DNA position 2536, G replaced by C.
Protein change: p.Asp846His; replaces aspartic acid 846 with histidine.
Molecular consequence: missense variant.
Genome position (GRCh38, 1-based): chrX:77,682,720, C>G on the plus strand (G>C on the coding strand, the complement: ATRX is on the minus strand). VCF-style: chrX-77682720-C-G. GRCh37 (hg19) VCF-style: chrX-76938212-C-G.
Other names: c.2422G>C, p.Asp808His (NM_138270.5); short protein forms D808H, D846H.
Identifiers: ClinVar variation 2171142 (VCV002171142.3), dbSNP rs1443949270, ClinGen allele CA413711907.

ClinVar aggregate classification (germline): Uncertain significance (1 of 4 stars; one submission).

Conditions:
Alpha thalassemia-X-linked intellectual disability syndrome (ATRX). Also called: ALPHA-THALASSEMIA/MENTAL RETARDATION SYNDROME, X-LINKED; ATR, NONDELETION TYPE; ATR-X syndrome; Alpha thalassemia mental retardation syndrome, nondeletion type, X-linked; XLMR hypotonic face syndrome; X-linked alpha-thalassemia-mental retardation syndrome. Identifiers: Orphanet 847, MedGen C1845055, MONDO:0010519, OMIM 301040.

Allele frequency attached by ClinVar (database versions not stated): TOPMed below 0.00001.
gnomAD v4.1: 1 of 1,209,546 alleles (0.000083%); highest among the groups gnomAD compares: Admixed American, 0.0022%; no homozygotes.

Submission:

Labcorp Genetics (formerly Invitae), Labcorp
Classification: Uncertain significance for Alpha thalassemia-X-linked intellectual disability syndrome. Last evaluated: 2024-10-24. Review status: criteria provided, single submitter. Criteria: Invitae Variant Classification Sherloc (09022015). Collection method: clinical testing. Allele origin: germline.
Comment: This sequence change replaces aspartic acid, which is acidic and polar, with histidine, which is basic and polar, at codon 846 of the ATRX protein (p.Asp846His). This variant is not present in population databases (gnomAD no frequency). This variant has not been reported in the literature in individuals affected with ATRX-related conditions. ClinVar contains an entry for this variant (Variation ID: 2171142). Invitae Evidence Modeling of protein sequence and biophysical properties (such as structural, functional, and spatial information, amino acid conservation, physicochemical variation, residue mobility, and thermodynamic stability) indicates that this missense variant is not expected to disrupt ATRX protein function with a negative predictive value of 95%. In summary, the available evidence is currently insufficient to determine the role of this variant in disease. Therefore, it has been classified as a Variant of Uncertain Significance.